The following is an entry in ClinVar:

ClinVar aggregate classification (germline): Pathogenic. Review status: criteria provided, multiple submitters, no conflicts (2 of 4 stars). 8 submissions from 8 submitters: Pathogenic (7). 1 of the submissions does not count toward it. Last evaluated 2024-08-26.

Conditions:
SPG7-related disorder. Also called: SPG7-related condition.
Hereditary spastic paraplegia. Also called: Familial spastic paraparesis. Identifiers: Orphanet 685, MedGen C0037773, MONDO:0019064. Disease mechanism: loss of function.
Hereditary spastic paraplegia 7 (SPG7). Also called: SPASTIC PARAPLEGIA 7, AUTOSOMAL RECESSIVE, WITH OR WITHOUT CEREBELLAR ATAXIA; SPG7-related neurologic disorder; Spastic paraplegia 7; Hereditary spastic paraplegia Paraplegin type; Autosomal recessive spastic paraplegia type 7. Identifiers: Orphanet 99013, MedGen C1846564, MONDO:0011803, OMIM 607259.

Allele frequency attached by ClinVar (database versions not stated): ExAC 0.00002; gnomAD exomes 0.00002 and 0.00001; gnomAD 0.00001; TOPMed 0.00001.
gnomAD v4.1: 16 of 1,613,996 alleles (0.00099%); highest among the groups gnomAD compares: Non-Finnish European, 0.0014%; no homozygotes.

Submissions (8):

GeneDx
Classification: Pathogenic. Last evaluated: 2024-08-26. Review status: criteria provided, single submitter. Criteria: GeneDx Variant Classification Process June 2021. Collection method: clinical testing. Allele origin: germline. Affected: yes.
Comment: Canonical splice site variant predicted to result in a null allele in a gene for which loss of function is a known mechanism of disease; This variant is associated with the following publications: (PMID: 26626314, 30747022, 29915382, Akhtar2020[paper])

Women's Health and Genetics/Laboratory Corporation of America, LabCorp
Classification: Pathogenic for Hereditary spastic paraplegia 7. Last evaluated: 2023-07-25. Review status: criteria provided, single submitter. Criteria: LabCorp Variant Classification Summary - May 2015. Collection method: clinical testing. Allele origin: germline.
Comment: Variant summary: SPG7 c.988-1G>A is located in a canonical splice-site and is predicted to affect mRNA splicing resulting in a significantly altered protein due to either exon skipping, shortening, or inclusion of intronic material. Several computational tools predict a significant impact on normal splicing: Three predict the variant abolishes the canonical 3' acceptor site and one predicts the variant creates a cryptic 3' acceptor site 2nt downstream into exon 8. cDNA sequencing of a homozygous patient confirmed that the variant affects mRNA splicing, resulting in 2 alternatively spliced transcripts: one transcript uses the newly created cryptic 3' acceptor site 2nt into exon 8, and a second transcript uses a different cryptic 3' acceptor site 21nt into exon 8 (Choquet_2016). The variant allele was found at a frequency of 1.6e-05 in 250692 control chromosomes (gnomAD). c.988-1G>A has been reported in the literature as a biallelic genotype in multiple individuals affected with Hereditary Spastic Paraplegia (Choquet_2016, Almomen_2019, Sun_2019). These data indicate that the variant is very likely to be associated with disease. The following publications have been ascertained in the context of this evaluation (PMID: 30747022, 26626314, 29915382). Three ClinVar submitters have assessed the variant since 2014: all three classified the variant as pathogenic. Based on the evidence outlined above, the variant was classified as pathogenic.

Labcorp Genetics (formerly Invitae), Labcorp
Classification: Pathogenic for Hereditary spastic paraplegia 7. Last evaluated: 2023-07-09. Review status: criteria provided, single submitter. Criteria: Invitae Variant Classification Sherloc (09022015). Collection method: clinical testing. Allele origin: germline.
Comment: For these reasons, this variant has been classified as Pathogenic. Studies have shown that disruption of this splice site results in use of cryptic acceptor splice sites and introduces a premature termination codon (PMID: 26626314). The resulting mRNA is expected to undergo nonsense-mediated decay. ClinVar contains an entry for this variant (Variation ID: 217270). Disruption of this splice site has been observed in individuals with spastic ataxia (PMID: 26626314). This sequence change affects an acceptor splice site in intron 7 of the SPG7 gene. RNA analysis indicates that disruption of this splice site induces altered splicing and may result in an absent or disrupted protein product. This variant is present in population databases (rs748309520, gnomAD 0.004%).

PROSPAX: an integrated multimodal progression  chart in spastic ataxias, Center for Neurology; Hertie-Institute for Clinical Brain Research
Classification: Pathogenic for Hereditary spastic paraplegia 7. Last evaluated: 2022-01-01. Review status: criteria provided, single submitter. Criteria: ACMG Guidelines, 2015. Collection method: research. Allele origin: germline. Affected: yes. Observed: 2 variant alleles, 2 compound heterozygotes.

Genome Diagnostics Laboratory, The Hospital for Sick Children
Classification: Pathogenic for Hereditary spastic paraplegia. Last evaluated: 2021-04-16. Review status: criteria provided, single submitter. Criteria: ACMG Guidelines, 2015. Collection method: clinical testing. Allele origin: germline. Affected: yes.

Genetic Services Laboratory, University of Chicago
Classification: Pathogenic for Spastic paraplegia 7, autosomal recessive. Last evaluated: 2016-11-17. Review status: criteria provided, single submitter. Criteria: ACMG Guidelines, 2015. Collection method: clinical testing. Allele origin: germline. Affected: yes.

Neurogenetics of motion laboratory, Montreal Neurological Institute
Classification: Pathogenic for Spastic paraplegia 7. Review status: criteria provided, single submitter. Criteria: ACMG Guidelines, 2015. Collection method: case-control. Allele origin: germline. Affected: yes. Observed: 5 compound heterozygotes, 3 homozygotes. Clinical features observed: Ataxia, Spasticity, Dysarthria, Nystagmus. Study: Care4Rare - Neurogenetics of motion laboratory. Segregation with disease observed.

PreventionGenetics, part of Exact Sciences
Classification: Pathogenic for SPG7-related condition. Last evaluated: 2023-12-19. Review status: no assertion criteria provided. Collection method: clinical testing. Allele origin: germline. Not counted in ClinVar's aggregate classification.
Comment: The SPG7 c.988-1G>A variant is predicted to disrupt the AG splice acceptor site and interfere with normal splicing. This variant has been reported in the homozygous and compound heterozyous state in individuals with spastic paraplegia phenotypes (Choquet et al. 2016. PubMed ID: 26626314; Table 1, Sun et al. 2018. PubMed ID: 29915382; Almomen et al. 2019. PubMed ID: 30747022). Functional splicing studies have also confirmed this variant impacts splicing leading to a frameshift and premature protein termination (Choquet et al. 2016. PubMed ID: 26626314). This variant is reported in 0.0035% of alleles in individuals of European (Non-Finnish) descent in gnomAD. This variant is interpreted as pathogenic.

Literature cited by the submitters: PubMed 29915382 (cited by Women's Health and Genetics/Laboratory Corporation of America, LabCorp); PubMed 26626314 (cited by 3 submitters); PubMed 30747022 (cited by Women's Health and Genetics/Laboratory Corporation of America, LabCorp).

NM_003119.4(SPG7):c.988-1G>A

Gene: SPG7 (SPG7 matrix AAA peptidase subunit, paraplegin; plus strand). Cytogenetic location: 16q24.3.
Variant type: single nucleotide variant.
Coding change: c.988-1G>A on transcript NM_003119.4 (MANE Select); the canonical splice acceptor site of the intron before coding-DNA position 988, G replaced by A.
Molecular consequence: splice acceptor variant.
Genome position (GRCh38, 1-based): chr16:89,531,903, G>A. VCF-style: chr16-89531903-G-A. GRCh37 (hg19) VCF-style: chr16-89598311-G-A.
Other names: c.988-1G>A (NM_001363850.1, NM_199367.3).
Identifiers: ClinVar variation 217270 (VCV000217270.25), dbSNP rs748309520, ClinGen allele CA339773.
Genomic context (GRCh38, chr16:89,531,903, plus strand): 5'-CTAAAAAACAAAAAAACGGAATCCCCAAGTAGTTAGTGTTGCATTGTCTGCTGCCGTCCA[G>A]AGCCCAGAACGCTTCCTCCAGCTTGGCGCCAAGGTCCCAAAGGGCGCACTGCTGCTCGGC-3'